The following is an entry in ClinVar:

NM_017491.5(WDR1):c.76G>A (p.Asp26Asn)

Gene: WDR1 (WD repeat domain 1; minus strand). Cytogenetic location: 4p16.1.
Variant type: single nucleotide variant.
Coding change: c.76G>A on transcript NM_017491.5 (MANE Select); coding-DNA position 76, G replaced by A.
Protein change: p.Asp26Asn; replaces aspartic acid 26 with asparagine.
Molecular consequence: missense variant.
Genome position (GRCh38, 1-based): chr4:10,116,175, C>T on the plus strand (G>A on the coding strand, the complement: WDR1 is on the minus strand). VCF-style: chr4-10116175-C-T. GRCh37 (hg19) VCF-style: chr4-10117799-C-T.
Other names: c.76G>A (NM_017491.3); c.76G>A, p.Asp26Asn (NM_005112.5); short protein forms D26N.
Identifiers: ClinVar variation 974599 (VCV000974599.3), dbSNP rs1242111691, ClinGen allele CA356366053.

ClinVar aggregate classification (germline): Uncertain significance. Review status: criteria provided, single submitter (1 of 4 stars). 2 submissions from 2 submitters: Uncertain significance (1). 1 of the submissions does not count toward it. Last evaluated 2026-08-20.

Conditions:
Lazy leukocyte syndrome. Identifiers: Orphanet 652522, MedGen C0272174, MONDO:0007883, OMIM 150550.

Allele frequency attached by ClinVar (database versions not stated): TOPMed below 0.00001.

Submissions (2):

GeneDx
Classification: Uncertain significance. Last evaluated: 2026-08-20. Review status: criteria provided, single submitter. Criteria: GeneDx Variant Classification Process June 2021. Collection method: clinical testing. Allele origin: germline.
Comment: Published functional studies using patient cells suggest this variant results in impairment of actin disassembly, however additional studies are needed to validate the functional effect of this variant (PMID: 27557945); In silico analysis supports that this missense variant has a deleterious effect on protein structure/function; Not observed at significant frequency in large population cohorts (gnomAD); This variant is associated with the following publications: (PMID: 27557945, 33558442, 31471458)

OMIM
Classification: Pathogenic for PERIODIC FEVER, IMMUNODEFICIENCY, AND THROMBOCYTOPENIA SYNDROME. Last evaluated: 2020-07-29. Review status: no assertion criteria provided. Collection method: literature only. Allele origin: germline. Not counted in ClinVar's aggregate classification.

Literature cited by the submitters: PubMed 27557945 (cited by OMIM).